The following is an entry in ClinVar:

ClinVar aggregate classification (germline): Uncertain significance. Review status: criteria provided, multiple submitters, no conflicts (2 of 4 stars). 2 submissions from 2 submitters: Uncertain significance (2). Last evaluated 2024-12-17.

Conditions:
RASopathy. Also called: Noonan spectrum disorder; rasopathies. Identifiers: Orphanet 536391, MedGen C5555857, MONDO:0021060.
Cardiovascular phenotype. Identifiers: MedGen CN230736.

gnomAD v4.1: 4 of 1,614,122 alleles (0.00025%); highest among the groups gnomAD compares: South Asian, 0.0011%; no homozygotes.

Submissions (2):

Ambry Genetics
Classification: Uncertain significance for Cardiovascular phenotype. Last evaluated: 2024-12-17. Review status: criteria provided, single submitter. Criteria: Ambry Variant Classification Scheme 2023. Collection method: clinical testing. Allele origin: germline.
Comment: The p.Y565F variant (also known as c.1694A>T), located in coding exon 15 of the RAF1 gene, results from an A to T substitution at nucleotide position 1694. The tyrosine at codon 565 is replaced by phenylalanine, an amino acid with highly similar properties. This amino acid position is conserved. In addition, the in silico prediction for this alteration is inconclusive. Based on the available evidence, the clinical significance of this variant remains unclear.

Labcorp Genetics (formerly Invitae), Labcorp
Classification: Uncertain significance for RASopathy. Last evaluated: 2024-11-15. Review status: criteria provided, single submitter. Criteria: Invitae Variant Classification Sherloc (09022015). Collection method: clinical testing. Allele origin: germline.
Comment: This sequence change replaces tyrosine, which is neutral and polar, with phenylalanine, which is neutral and non-polar, at codon 565 of the RAF1 protein (p.Tyr565Phe). This variant is not present in population databases (gnomAD no frequency). This variant has not been reported in the literature in individuals affected with RAF1-related conditions. Invitae Evidence Modeling incorporating data from in vitro experimental studies (internal data) indicates that this missense variant is not expected to disrupt RAF1 function with a negative predictive value of 80%. In summary, the available evidence is currently insufficient to determine the role of this variant in disease. Therefore, it has been classified as a Variant of Uncertain Significance.

NM_002880.4(RAF1):c.1694A>T (p.Tyr565Phe)

Gene: RAF1 (Raf-1 proto-oncogene, serine/threonine kinase; minus strand). Cytogenetic location: 3p25.2.
Variant type: single nucleotide variant.
Coding change: c.1694A>T on transcript NM_002880.4 (MANE Select); coding-DNA position 1694, A replaced by T.
Protein change: p.Tyr565Phe; replaces tyrosine 565 with phenylalanine.
Molecular consequence: missense variant. On other transcripts: non-coding transcript variant (3).
Genome position (GRCh38, 1-based): chr3:12,584,956, T>A on the plus strand (A>T on the coding strand, the complement: RAF1 is on the minus strand). VCF-style: chr3-12584956-T-A. GRCh37 (hg19) VCF-style: chr3-12626455-T-A.
Other names: c.1754A>T, p.Tyr585Phe (NM_001354689.3); c.1694A>T, p.Tyr565Phe (NM_001354690.3); c.1451A>T, p.Tyr484Phe (NM_001354691.3, NM_001354692.3); c.1595A>T, p.Tyr532Phe (NM_001354693.3); c.1511A>T, p.Tyr504Phe (NM_001354694.3); c.1352A>T, p.Tyr451Phe (NM_001354695.3); short protein forms Y451F, Y484F, Y504F, Y532F, Y565F, Y585F.
Identifiers: ClinVar variation 3625836 (VCV003625836.3).